The following is an entry in ClinVar:

ClinVar aggregate classification (germline): Uncertain significance (1 of 4 stars; one submission).

Conditions:
Developmental delay with autism spectrum disorder and gait instability (MRT38). Also called: Intellectual developmental disorder, autosomal recessive 38. Identifiers: Orphanet 329195, MedGen C3809753, MONDO:0014224, OMIM 615516.

Submission:

Baylor Genetics
Classification: Uncertain significance for Developmental delay with autism spectrum disorder and gait instability. Last evaluated: 2018-07-19. Review status: criteria provided, single submitter. Criteria: ACMG Guidelines, 2015. Collection method: clinical testing. Allele origin: paternal. Affected: yes.
Comment: This variant was determined to be of uncertain significance according to ACMG Guidelines, 2015 [PMID:25741868].

NM_004667.6(HERC2):c.4154G>A (p.Gly1385Glu)

Gene: HERC2 (HECT and RLD domain containing E3 ubiquitin protein ligase 2; minus strand). Cytogenetic location: 15q13.1.
Variant type: single nucleotide variant.
Coding change: c.4154G>A on transcript NM_004667.6 (MANE Select); coding-DNA position 4154, G replaced by A.
Protein change: p.Gly1385Glu; replaces glycine 1385 with glutamic acid.
Molecular consequence: missense variant.
Genome position (GRCh38, 1-based): chr15:28,234,134, C>T on the plus strand (G>A on the coding strand, the complement: HERC2 is on the minus strand). VCF-style: chr15-28234134-C-T. GRCh37 (hg19) VCF-style: chr15-28479280-C-T.
Other names: short protein forms G1385E.
Identifiers: ClinVar variation 1031462 (VCV001031462.1), dbSNP rs1310381539, ClinGen allele CA391385831.